The following is an entry in ClinVar:

ClinVar aggregate classification (germline): Uncertain significance (1 of 4 stars; one submission).

Submission:

Labcorp Genetics (formerly Invitae), Labcorp
Classification: Uncertain significance. Last evaluated: 2023-12-18. Review status: criteria provided, single submitter. Criteria: Invitae Variant Classification Sherloc (09022015). Collection method: clinical testing. Allele origin: germline.
Comment: This sequence change replaces serine, which is neutral and polar, with cysteine, which is neutral and slightly polar, at codon 181 of the TBCK protein (p.Ser181Cys). This variant is not present in population databases (gnomAD no frequency). This variant has not been reported in the literature in individuals affected with TBCK-related conditions. ClinVar contains an entry for this variant (Variation ID: 2039479). Advanced modeling of protein sequence and biophysical properties (such as structural, functional, and spatial information, amino acid conservation, physicochemical variation, residue mobility, and thermodynamic stability) performed at Invitae indicates that this missense variant is not expected to disrupt TBCK protein function with a negative predictive value of 80%. In summary, the available evidence is currently insufficient to determine the role of this variant in disease. Therefore, it has been classified as a Variant of Uncertain Significance.

NM_001163435.3(TBCK):c.542C>G (p.Ser181Cys)

Gene: TBCK (TBC1 domain containing kinase; minus strand). Cytogenetic location: 4q24.
Variant type: single nucleotide variant.
Coding change: c.542C>G on transcript NM_001163435.3 (MANE Select); coding-DNA position 542, C replaced by G.
Protein change: p.Ser181Cys; replaces serine 181 with cysteine.
Molecular consequence: missense variant. On other transcripts: intron variant (1).
Genome position (GRCh38, 1-based): chr4:106,251,921, G>C on the plus strand (C>G on the coding strand, the complement: TBCK is on the minus strand). VCF-style: chr4-106251921-G-C. GRCh37 (hg19) VCF-style: chr4-107173078-G-C.
Other names: c.542C>G, p.Ser181Cys (NM_001163436.4); c.26C>G, p.Ser9Cys (NM_001290768.2); c.353C>G, p.Ser118Cys (NM_033115.5); c.480+62C>G (NM_001163437.3); short protein forms S181C, S118C, S9C.
Identifiers: ClinVar variation 2039479 (VCV002039479.2), dbSNP rs940964523, ClinGen allele CA102847584.